The following is an entry in ClinVar:

NR_197388.1(MIR17HG):n.2088A>G

Gene: MIR17HG (miR-17-92a-1 cluster host gene; plus strand). Cytogenetic location: 13q31.3.
Variant type: single nucleotide variant.
Molecular consequence: non-coding transcript variant (on NR_197388.1).
Genome position: GRCh38 VCF-style: chr13-91351897-A-G. GRCh37 (hg19) VCF-style: chr13-92004151-A-G.
Identifiers: ClinVar variation 4986410 (VCV004986410.1).
Genomic context (GRCh38, chr13:91,351,897, plus strand): 5'-TTTAGGGTTGGGGTACAATTTGTTTCTATTAAGCAAGTACCAGTTTACCAATACATGAGT[A>G]ACTGAAGTGTAACTGTTAAATGCTTGTATACTAGTTTTTCTTTCTGATTGTCAGTGATTT-3'

ClinVar aggregate classification (germline): Uncertain significance (1 of 4 stars; one submission).

Conditions:
MIR17HG-related disorder. Also called: MIR17HG-related condition.

gnomAD v4.1: 1 of 155,084 alleles (0.00064%); highest among the groups gnomAD compares: African/African-American, 0.0024%; no homozygotes.

Submission:

PreventionGenetics, part of Exact Sciences
Classification: Uncertain significance for MIR17HG-related condition. Last evaluated: 2024-10-03. Review status: criteria provided, single submitter. Criteria: ACMG Guidelines, 2015. Collection method: clinical testing. Allele origin: germline.
Comment: The MIR17HG n.284+1671A>G variant is predicted to interfere with splicing. To our knowledge, this variant has not been reported in the literature or in a large population database (gnomAD), indicating this variant is rare. Due to the limited evidence, at this time the clinical significance of this variant is uncertain.